The following is an entry in ClinVar:

NM_000238.4(KCNH2):c.1954_1956delinsCAC (p.Tyr652His)

Gene: KCNH2 (potassium voltage-gated channel subfamily H member 2; minus strand). Cytogenetic location: 7q36.1.
Variant type: Indel.
Coding change: c.1954_1956delinsCAC on transcript NM_000238.4 (MANE Select); coding-DNA positions 1954 to 1956, TAT replaced by CAC.
Protein change: p.Tyr652His; replaces tyrosine 652 with histidine.
Molecular consequence: missense variant.
Genome position (GRCh38, 1-based): chr7:150,951,110-150,951,112, ATA replaced by GTG on the plus strand (TAT replaced by CAC on the coding strand, the reverse complement: KCNH2 is on the minus strand). VCF-style: chr7-150951110-ATA-GTG. GRCh37 (hg19) VCF-style: chr7-150648198-ATA-GTG.
Other names: p.Y652H:TAT>CAT; c.934_936delinsCAC, p.Tyr312His (NM_001204798.2, NM_172057.3); c.1666_1668delTATinsCAC, p.Tyr556His (NM_001406753.1, NM_001406756.1); c.1777_1779delTATinsCAC, p.Tyr593His (NM_001406755.1); c.1654_1656delTATinsCAC, p.Tyr552His (NM_001406757.1); c.1954_1956delTATinsCAC, p.Tyr652His (NM_172056.3); short protein forms Y312H, Y652H, Y556H, Y593H, Y552H.
Identifiers: ClinVar variation 200761 (VCV000200761.6), dbSNP rs794728490, ClinGen allele CA006090.
Genomic context (GRCh38, chr7:150,951,110, plus strand): 5'-GCGGGCTGTGCCCGAGTACAGCCGCTGGATGATGGCCGACACGTTGCCGAAGATGCTAGC[ATA>GTG]CATGAGGGCTGGGGGCGTGGGCACGTGGGGCCGTCAGCCTCTGCAGGGACCCCACCCACC-3'
Protein context (NP_000229.1, residues 642-662): ICVMLIGSLM[Tyr652His]ASIFGNVSAI

ClinVar aggregate classification (germline): Uncertain significance (1 of 4 stars; one submission).

Submission:

GeneDx
Classification: Uncertain significance. Last evaluated: 2023-09-08. Review status: criteria provided, single submitter. Criteria: GeneDx Variant Classification Process June 2021. Collection method: clinical testing. Allele origin: germline. Affected: yes.
Comment: Has not been previously published as pathogenic or benign to our knowledge; In silico analysis supports a deleterious effect on protein structure/function; Not observed at significant frequency in large population cohorts (gnomAD)